The following is an entry in ClinVar:

NM_004973.4(JARID2):c.1731C>A (p.Val577=)

Gene: JARID2 (jumonji and AT-rich interaction domain containing 2; plus strand). Cytogenetic location: 6p22.3.
Variant type: single nucleotide variant.
Coding change: c.1731C>A on transcript NM_004973.4 (MANE Select); coding-DNA position 1731, C replaced by A.
Protein change: p.Val577=; no amino-acid change (valine 577 retained).
Molecular consequence: synonymous variant.
Genome position (GRCh38, 1-based): chr6:15,496,956, C>A. VCF-style: chr6-15496956-C-A. GRCh37 (hg19) VCF-style: chr6-15497187-C-A.
Other names: c.1215C>A, p.Val405= (NM_001267040.1).
Identifiers: ClinVar variation 3770798 (VCV003770798.13).

ClinVar aggregate classification (germline): Likely benign (1 of 4 stars; one submission).

gnomAD v4.1: 12 of 1,610,830 alleles (0.00074%); highest among the groups gnomAD compares: Admixed American, 0.0033%; no homozygotes.

Submission:

CeGaT Center for Human Genetics Tuebingen
Classification: Likely benign. Last evaluated: 2025-01-01. Review status: criteria provided, single submitter. Criteria: CeGaT Center For Human Genetics Tuebingen Variant Classification Criteria Version 2. Collection method: clinical testing. Allele origin: germline. Affected: yes. Observed: 1 variant allele.
Comment: JARID2: BP4, BP7